The following is an entry in ClinVar:

NM_003072.5(SMARCA4):c.578G>T (p.Gly193Val)

Gene: SMARCA4 (SWI/SNF related BAF chromatin remodeling complex subunit ATPase 4; plus strand). Cytogenetic location: 19p13.2.
Variant type: single nucleotide variant.
Coding change: c.578G>T on transcript NM_003072.5 (MANE Select); coding-DNA position 578, G replaced by T.
Protein change: p.Gly193Val; replaces glycine 193 with valine.
Molecular consequence: missense variant. On other transcripts: non-coding transcript variant (1).
Genome position (GRCh38, 1-based): chr19:10,986,411, G>T. VCF-style: chr19-10986411-G-T. GRCh37 (hg19) VCF-style: chr19-11097087-G-T.
Other names: c.578G>T, p.Gly193Val (NM_001128844.3, NM_001128845.2, NM_001128846.2 and 4 more transcripts); short protein forms G193V.
Identifiers: ClinVar variation 825971 (VCV000825971.12), dbSNP rs767036812, ClinGen allele CA404056450.
Genomic context (GRCh38, chr19:10,986,411, plus strand): 5'-ACCAGAACCAGCTGCACCAGCTCAGAGCTCAGATCATGGCCTACAAGATGCTGGCCAGGG[G>T]GCAGCCCCTCCCCGACCACCTGCAGATGGCGGTGCAGGGCAAGCGGCCGATGCCCGGGAT-3'
Protein context (NP_003063.2, residues 183-203): QIMAYKMLAR[Gly193Val]QPLPDHLQMA

ClinVar aggregate classification (germline): Uncertain significance. Review status: criteria provided, multiple submitters, no conflicts (2 of 4 stars). 3 submissions from 3 submitters: Uncertain significance (3). Last evaluated 2025-11-24.

Conditions:
Hereditary cancer-predisposing syndrome. Also called: Neoplastic Syndromes, Hereditary; Tumor predisposition; Hereditary Cancer Syndrome; Hereditary neoplastic syndrome. Identifiers: Orphanet 140162, MedGen C0027672, MeSH D009386, MONDO:0015356.
Rhabdoid tumor predisposition syndrome 2 (RTPS2). Identifiers: Orphanet 231108, Orphanet 69077, MedGen C2750074, MONDO:0013224, OMIM 613325.

gnomAD v4.1: 1 of 1,586,598 alleles (0.000063%); highest among the groups gnomAD compares: Non-Finnish European, 0.000086%; no homozygotes.

Submissions (3):

Ambry Genetics
Classification: Uncertain significance for Hereditary cancer-predisposing syndrome. Last evaluated: 2025-11-24. Review status: criteria provided, single submitter. Criteria: Ambry Variant Classification Scheme 2023. Collection method: clinical testing. Allele origin: germline.
Comment: The p.G193V variant (also known as c.578G>T), located in coding exon 3 of the SMARCA4 gene, results from a G to T substitution at nucleotide position 578. The glycine at codon 193 is replaced by valine, an amino acid with dissimilar properties. This amino acid position is well conserved in available vertebrate species. In addition, this alteration is predicted to be deleterious by in silico analysis. Based on the available evidence, the clinical significance of this variant remains unclear.

Labcorp Genetics (formerly Invitae), Labcorp
Classification: Uncertain significance for Rhabdoid tumor predisposition syndrome 2. Last evaluated: 2025-10-13. Review status: criteria provided, single submitter. Criteria: Invitae Variant Classification Sherloc (09022015). Collection method: clinical testing. Allele origin: germline.
Comment: This sequence change replaces glycine, which is neutral and non-polar, with valine, which is neutral and non-polar, at codon 193 of the SMARCA4 protein (p.Gly193Val). This variant is not present in population databases (gnomAD no frequency). This variant has not been reported in the literature in individuals affected with SMARCA4-related conditions. ClinVar contains an entry for this variant (Variation ID: 825971). Invitae Evidence Modeling of protein sequence and biophysical properties (such as structural, functional, and spatial information, amino acid conservation, physicochemical variation, residue mobility, and thermodynamic stability) indicates that this missense variant is not expected to disrupt SMARCA4 protein function with a negative predictive value of 95%. In summary, the available evidence is currently insufficient to determine the role of this variant in disease. Therefore, it has been classified as a Variant of Uncertain Significance.

Blueprint Genetics
Classification: Uncertain significance. Last evaluated: 2024-05-27. Review status: criteria provided, single submitter. Criteria: ACMG Guidelines, 2015. Collection method: clinical testing. Allele origin: germline.